The following is an entry in ClinVar:

ClinVar aggregate classification (germline): Uncertain significance (1 of 4 stars; one submission).

Conditions:
Jeune thoracic dystrophy. Also called: Short-rib thoracic dysplasia; Jeune syndrome; Infantile thoracic dystrophy; Thoracic pelvic phalangeal dystrophy; Jeune's syndrome; Chondroectodermal dysplasia-like syndrome. Identifiers: Orphanet 474, MedGen C0265275, MONDO:0018770.

Submission:

Labcorp Genetics (formerly Invitae), Labcorp
Classification: Uncertain significance for Jeune thoracic dystrophy. Last evaluated: 2022-07-12. Review status: criteria provided, single submitter. Criteria: Invitae Variant Classification Sherloc (09022015). Collection method: clinical testing. Allele origin: germline.
Comment: This variant, c.10705_10707del, results in the deletion of 1 amino acid(s) of the DYNC2H1 protein (p.Cys3569del), but otherwise preserves the integrity of the reading frame. This variant is not present in population databases (gnomAD no frequency). This variant has not been reported in the literature in individuals affected with DYNC2H1-related conditions. ClinVar contains an entry for this variant (Variation ID: 1439320). Experimental studies and prediction algorithms are not available or were not evaluated, and the functional significance of this variant is currently unknown. In summary, the available evidence is currently insufficient to determine the role of this variant in disease. Therefore, it has been classified as a Variant of Uncertain Significance.

NM_001377.3(DYNC2H1):c.10684_10686del (p.Cys3562del)

Gene: DYNC2H1 (dynein cytoplasmic 2 heavy chain 1; plus strand). Cytogenetic location: 11q22.3.
Variant type: Deletion.
Coding change: c.10684_10686del on transcript NM_001377.3 (MANE Select); coding-DNA positions 10684 to 10686, 3 bases deleted (TGT; older notation c.10684_10686delTGT).
Protein change: p.Cys3562del; deletes cysteine 3562.
Molecular consequence: inframe deletion.
Genome position (GRCh38, 1-based): chr11:103,259,966-103,259,968, TGT deleted; deleting any 3 consecutive bases within chr11:103,259,964-103,259,968 gives the same sequence; the c. name uses the placement nearest the transcript's 3' end. VCF-style (leftmost placement, unchanged base first): chr11-103259963-CGTT-C. GRCh37 (hg19) VCF-style: chr11-103130692-CGTT-C.
Other names: c.10705_10707del, p.Cys3569del (NM_001080463.2); short protein forms C3562del, C3569del.
Identifiers: ClinVar variation 1439320 (VCV001439320.6), dbSNP rs2135273195, ClinGen allele CA2573146802.